The following is an entry in ClinVar:

ClinVar aggregate classification (germline): Uncertain significance (1 of 4 stars; one submission).

Conditions:
Hereditary spastic paraplegia 7 (SPG7). Also called: SPASTIC PARAPLEGIA 7, AUTOSOMAL RECESSIVE, WITH OR WITHOUT CEREBELLAR ATAXIA; SPG7-related neurologic disorder; Spastic paraplegia 7; Hereditary spastic paraplegia Paraplegin type; Autosomal recessive spastic paraplegia type 7. Identifiers: Orphanet 99013, MedGen C1846564, MONDO:0011803, OMIM 607259.

gnomAD v4.1: 1 of 1,576,504 alleles (0.000063%); highest among the groups gnomAD compares: Non-Finnish European, 0.000087%; no homozygotes.

Submission:

Labcorp Genetics (formerly Invitae), Labcorp
Classification: Uncertain significance for Hereditary spastic paraplegia 7. Last evaluated: 2024-06-20. Review status: criteria provided, single submitter. Criteria: Invitae Variant Classification Sherloc (09022015). Collection method: clinical testing. Allele origin: germline.
Comment: This sequence change falls in intron 2 of the SPG7 gene. It does not directly change the encoded amino acid sequence of the SPG7 protein. It affects a nucleotide within the consensus splice site. This variant is not present in population databases (gnomAD no frequency). This variant has not been reported in the literature in individuals affected with SPG7-related conditions. Variants that disrupt the consensus splice site are a relatively common cause of aberrant splicing (PMID: 17576681, 9536098). Algorithms developed to predict the effect of sequence changes on RNA splicing suggest that this variant is not likely to affect RNA splicing. In summary, the available evidence is currently insufficient to determine the role of this variant in disease. Therefore, it has been classified as a Variant of Uncertain Significance.

Literature cited by the submitters: PubMed 17576681; PubMed 9536098.

NM_003119.4(SPG7):c.286+4T>A

Gene: SPG7 (SPG7 matrix AAA peptidase subunit, paraplegin; plus strand). Cytogenetic location: 16q24.3.
Variant type: single nucleotide variant.
Coding change: c.286+4T>A on transcript NM_003119.4 (MANE Select); 4 bases into the intron after coding-DNA position 286, T replaced by A.
Molecular consequence: intron variant.
Genome position (GRCh38, 1-based): chr16:89,510,596, T>A. VCF-style: chr16-89510596-T-A. GRCh37 (hg19) VCF-style: chr16-89577004-T-A.
Other names: c.286+4T>A (NM_001363850.1, NM_199367.3).
Identifiers: ClinVar variation 3685291 (VCV003685291.2).